The following is an entry in ClinVar:

ClinVar aggregate classification (germline): Conflicting classifications of pathogenicity. Review status: criteria provided, conflicting classifications (1 of 4 stars). 6 submissions from 6 submitters: Uncertain significance (5); Likely benign (1). Last evaluated 2025-09-08.

Conditions:
Hereditary cancer-predisposing syndrome. Also called: Neoplastic Syndromes, Hereditary; Tumor predisposition; Hereditary neoplastic syndrome; Hereditary Cancer Syndrome. Identifiers: Orphanet 140162, MedGen C0027672, MeSH D009386, MONDO:0015356.
Lung adenocarcinoma. Also called: Adenocarcinoma of lung; Adenocarcinoma of lung, somatic. Identifiers: MedGen C0152013, MeSH D000077192, MONDO:0005061, HP:0030078.
Gorlin syndrome. Also called: Basal cell nevus syndrome; Nevoid Basal Cell Carcinoma Syndrome. Identifiers: Orphanet 377, MedGen C0004779, MONDO:0007187.

Allele frequency attached by ClinVar (database versions not stated): TOPMed below 0.00001; gnomAD exomes 0.00001 and 0.00002.
gnomAD v4.1: 12 of 1,520,438 alleles (0.00079%); highest among the groups gnomAD compares: Admixed American, 0.0041%; no homozygotes.

Submissions (6):

Labcorp Genetics (formerly Invitae), Labcorp
Classification: Likely benign for Gorlin syndrome. Last evaluated: 2025-09-08. Review status: criteria provided, single submitter. Criteria: Invitae Variant Classification Sherloc (09022015). Collection method: clinical testing. Allele origin: germline.

Women's Health and Genetics/Laboratory Corporation of America, LabCorp
Classification: Uncertain significance. Last evaluated: 2024-11-29. Review status: criteria provided, single submitter. Criteria: LabCorp Variant Classification Summary - May 2015. Collection method: clinical testing. Allele origin: germline.
Comment: Variant summary: PTCH1 c.68C>T (p.Ala23Val) results in a non-conservative amino acid change in the encoded protein sequence. Four of five in-silico tools predict a benign effect of the variant on protein function. The variant allele was found at a frequency of 1.6e-05 in 122990 control chromosomes. The available data on variant occurrences in the general population are insufficient to allow any conclusion about variant significance. To our knowledge, no occurrence of c.68C>T in individuals affected with Nevoid Basal Cell Carcinoma Syndrome (Gorlin Syndrome) and no experimental evidence demonstrating its impact on protein function have been reported. ClinVar contains an entry for this variant (Variation ID: 524635). Based on the evidence outlined above, the variant was classified as uncertain significance.

Ambry Genetics
Classification: Uncertain significance for Hereditary cancer-predisposing syndrome. Last evaluated: 2024-07-09. Review status: criteria provided, single submitter. Criteria: Ambry Variant Classification Scheme 2023. Collection method: clinical testing. Allele origin: germline.
Comment: The p.A23V variant (also known as c.68C>T), located in coding exon 1 of the PTCH1 gene, results from a C to T substitution at nucleotide position 68. The alanine at codon 23 is replaced by valine, an amino acid with similar properties. This amino acid position is not well conserved in available vertebrate species. In addition, this alteration is predicted to be tolerated by in silico analysis. Since supporting evidence is limited at this time, the clinical significance of this alteration remains unclear.

GeneDx
Classification: Uncertain significance. Last evaluated: 2023-06-27. Review status: criteria provided, single submitter. Criteria: GeneDx Variant Classification Process June 2021. Collection method: clinical testing. Allele origin: germline. Affected: yes.
Comment: Has not been previously published as pathogenic or benign to our knowledge; In silico analysis supports that this missense variant does not alter protein structure/function

Liquid Biopsy and Cancer Interception Group, Pfizer-University of Granada-Junta de Andalucía Centre for Genomics and Oncological Research
Classification: Uncertain significance for Lung adenocarcinoma. Last evaluated: 2022-06-06. Review status: criteria provided, single submitter. Criteria: AMP Guidelines, 2017. Collection method: research. Allele origin: somatic. Affected: yes. Observed: 1 variant allele.

Sema4
Classification: Uncertain significance for Hereditary cancer-predisposing syndrome. Last evaluated: 2022-02-16. Review status: criteria provided, single submitter. Criteria: Sema4 Curation Guidelines. Collection method: curation. Allele origin: germline.
Comment: The PTCH1 c.68C>T (p.A23V) variant has not been reported in the literature to our knowledge. This variant was observed in 2/20864 chromosomes in the Latino population, according to the Genome Aggregation Database (PMID: 32461654). The variant has been reported in ClinVar (Variation ID: 524635). Functional studies have not been performed, and in silico predictions of the variant's effect on protein function are inconclusive. The evidence is insufficient to meet ACMG/AMP criteria for classifying the variant as benign or pathogenic. Thus, the clinical significance of this variant is currently uncertain.

NM_000264.5(PTCH1):c.68C>T (p.Ala23Val)

Genes: PTCH1 (patched 1; minus strand), LOC130002133 (ATAC-STARR-seq lymphoblastoid silent region 20071; plus strand). Cytogenetic location: 9q22.32.
Variant type: single nucleotide variant.
Coding change: c.68C>T on transcript NM_000264.5 (MANE Select); coding-DNA position 68, C replaced by T.
Protein change: p.Ala23Val; replaces alanine 23 with valine.
Molecular consequence: missense variant. On other transcripts: intron variant (3), non-coding transcript variant (1).
Genome position (GRCh38, 1-based): chr9:95,508,294, G>A on the plus strand (C>T on the coding strand, the complement: PTCH1 is on the minus strand). VCF-style: chr9-95508294-G-A. GRCh37 (hg19) VCF-style: chr9-98270576-G-A.
Other names: c.4-1695C>T (NM_001354919.2, NM_001083602.3); c.68C>T, p.Ala23Val (NM_001354918.2); c.199-1695C>T (NM_001083603.3); short protein forms A23V.
Identifiers: ClinVar variation 524635 (VCV000524635.19), dbSNP rs761204245, ClinGen allele CA5139062.